The following is an entry in ClinVar:

ClinVar aggregate classification (germline): Uncertain significance. Review status: criteria provided, multiple submitters, no conflicts (2 of 4 stars). 2 submissions from 2 submitters: Uncertain significance (2). Last evaluated 2025-07-12.

Conditions:
Inborn genetic diseases. Identifiers: MedGen C0950123, MeSH D030342.

Submissions (2):

Ambry Genetics
Classification: Uncertain significance for Inborn genetic diseases. Last evaluated: 2025-07-12. Review status: criteria provided, single submitter. Criteria: Ambry Variant Classification Scheme 2023. Collection method: clinical testing. Allele origin: germline.

GeneDx
Classification: Uncertain significance. Last evaluated: 2024-04-12. Review status: criteria provided, single submitter. Criteria: GeneDx Variant Classification Process June 2021. Collection method: clinical testing. Allele origin: germline. Affected: yes.
Comment: Not observed at significant frequency in large population cohorts (gnomAD); In silico analysis supports that this missense variant has a deleterious effect on protein structure/function; Has not been previously published as pathogenic or benign to our knowledge

NM_019066.5(MAGEL2):c.3220G>A (p.Gly1074Ser)

Gene: MAGEL2 (MAGE family member L2; minus strand). Cytogenetic location: 15q11.2.
Variant type: single nucleotide variant.
Coding change: c.3220G>A on transcript NM_019066.5 (MANE Select); coding-DNA position 3220, G replaced by A.
Protein change: p.Gly1074Ser; replaces glycine 1074 with serine.
Molecular consequence: missense variant.
Genome position (GRCh38, 1-based): chr15:23,644,523, C>T on the plus strand (G>A on the coding strand, the complement: MAGEL2 is on the minus strand). VCF-style: chr15-23644523-C-T. GRCh37 (hg19) VCF-style: chr15-23889670-C-T.
Other names: short protein forms G1074S.
Identifiers: ClinVar variation 3372170 (VCV003372170.2).